The following is an entry in ClinVar:

NM_000384.3(APOB):c.11039A>T (p.Tyr3680Phe)

Gene: APOB (apolipoprotein B; minus strand). Cytogenetic location: 2p24.1.
Variant type: single nucleotide variant.
Coding change: c.11039A>T on transcript NM_000384.3 (MANE Select); coding-DNA position 11039, A replaced by T.
Protein change: p.Tyr3680Phe; replaces tyrosine 3680 with phenylalanine.
Molecular consequence: missense variant.
Genome position (GRCh38, 1-based): chr2:21,005,829, T>A on the plus strand (A>T on the coding strand, the complement: APOB is on the minus strand). VCF-style: chr2-21005829-T-A. GRCh37 (hg19) VCF-style: chr2-21228701-T-A.
Other names: short protein forms Y3680F.
Identifiers: ClinVar variation 4282026 (VCV004282026.1).

ClinVar aggregate classification (germline): Uncertain significance (1 of 4 stars; one submission).

gnomAD v4.1: 1 of 1,613,954 alleles (0.000062%); highest among the groups gnomAD compares: African/African-American, 0.0013%; no homozygotes.

Submission:

GeneDx
Classification: Uncertain significance. Last evaluated: 2025-04-14. Review status: criteria provided, single submitter. Criteria: GeneDx Variant Classification Process June 2021. Collection method: clinical testing. Allele origin: germline. Affected: yes.
Comment: Not observed at significant frequency in large population cohorts (gnomAD); In silico analysis supports that this missense variant has a deleterious effect on protein structure/function; Has not been previously published as pathogenic or benign to our knowledge